The following is an entry in ClinVar:

NM_001378457.1(DMXL2):c.430G>C (p.Glu144Gln)

Gene: DMXL2 (Dmx like 2; minus strand). Cytogenetic location: 15q21.2.
Variant type: single nucleotide variant.
Coding change: c.430G>C on transcript NM_001378457.1 (MANE Select); coding-DNA position 430, G replaced by C.
Protein change: p.Glu144Gln; replaces glutamic acid 144 with glutamine.
Molecular consequence: missense variant. On other transcripts: non-coding transcript variant (2).
Genome position (GRCh38, 1-based): chr15:51,564,195, C>G on the plus strand (G>C on the coding strand, the complement: DMXL2 is on the minus strand). VCF-style: chr15-51564195-C-G. GRCh37 (hg19) VCF-style: chr15-51856392-C-G.
Other names: p.Glu144Gln; c.430G>C, p.Glu144Gln (NM_001174116.3, NM_001174117.3, NM_001378458.1 and 7 more transcripts); c.430G>C (NM_001174116.2); short protein forms E144Q.
Identifiers: ClinVar variation 716015 (VCV000716015.12), dbSNP rs35097381, ClinGen allele CA7562835.

ClinVar aggregate classification (germline): Benign. Review status: criteria provided, multiple submitters, no conflicts (2 of 4 stars). 3 submissions from 3 submitters: Benign (3). Last evaluated 2026-02-03.

Allele frequency attached by ClinVar (database versions not stated): gnomAD exomes 0.00209; ExAC 0.00270; gnomAD 0.00905 and 0.00970; TOPMed 0.00985; ESP Exome Variant Server 0.01048; 1000 Genomes Project 0.01098; 1000 Genomes Project 30x 0.01187.
gnomAD v4.1: 2,539 of 1,608,816 alleles (0.16%); highest among the groups gnomAD compares: African/African-American, 3%; 34 homozygotes.

Submissions (3):

Labcorp Genetics (formerly Invitae), Labcorp
Classification: Benign. Last evaluated: 2026-02-03. Review status: criteria provided, single submitter. Criteria: Invitae Variant Classification Sherloc (09022015). Collection method: clinical testing. Allele origin: germline.

ARUP Laboratories, Molecular Genetics and Genomics, ARUP Laboratories
Classification: Benign. Last evaluated: 2024-09-17. Review status: criteria provided, single submitter. Criteria: ARUP Molecular Germline Variant Investigation Process 2024. Collection method: clinical testing. Allele origin: germline.

Mayo Clinic Laboratories, Mayo Clinic
Classification: Benign. Last evaluated: 2023-02-15. Review status: criteria provided, single submitter. Criteria: ACMG Guidelines, 2015. Collection method: clinical testing. Allele origin: germline. Observed: 2 variant alleles.
Comment: BS1, BS2, BP4